The following is an entry in ClinVar:

ClinVar aggregate classification (germline): Uncertain significance. Review status: criteria provided, multiple submitters, no conflicts (2 of 4 stars). 3 submissions from 3 submitters: Uncertain significance (3). Last evaluated 2024-09-13.

Conditions:
Immunodeficiency 67. Also called: Immunodeficiency due to interleukin-1 receptor-associated kinase-4 deficiency. Identifiers: Orphanet 70592, MedGen C1843256, MONDO:0011888, OMIM 607676.

Allele frequency attached by ClinVar (database versions not stated): ExAC 0.00003; TOPMed 0.00003; gnomAD 0.00004; gnomAD exomes 0.00004.
gnomAD v4.1: 52 of 1,609,734 alleles (0.0032%); highest among the groups gnomAD compares: Non-Finnish European, 0.0033%; no homozygotes.

Submissions (3):

Blueprint Genetics
Classification: Uncertain significance. Last evaluated: 2024-09-13. Review status: criteria provided, single submitter. Criteria: ACMG Guidelines, 2015. Collection method: clinical testing. Allele origin: germline.

Labcorp Genetics (formerly Invitae), Labcorp
Classification: Uncertain significance for Immunodeficiency 67. Last evaluated: 2023-10-13. Review status: criteria provided, single submitter. Criteria: Invitae Variant Classification Sherloc (09022015). Collection method: clinical testing. Allele origin: germline.
Comment: This sequence change replaces glycine, which is neutral and non-polar, with aspartic acid, which is acidic and polar, at codon 250 of the IRAK4 protein (p.Gly250Asp). This variant is present in population databases (rs769470855, gnomAD 0.01%). This variant has not been reported in the literature in individuals affected with IRAK4-related conditions. ClinVar contains an entry for this variant (Variation ID: 882995). Advanced modeling of protein sequence and biophysical properties (such as structural, functional, and spatial information, amino acid conservation, physicochemical variation, residue mobility, and thermodynamic stability) performed at Invitae indicates that this missense variant is expected to disrupt IRAK4 protein function. In summary, the available evidence is currently insufficient to determine the role of this variant in disease. Therefore, it has been classified as a Variant of Uncertain Significance.

Illumina Laboratory Services, Illumina
Classification: Uncertain significance for Immunodeficiency 67. Last evaluated: 2018-01-13. Review status: criteria provided, single submitter. Criteria: ICSL Variant Classification Criteria 13 December 2019. Collection method: clinical testing. Allele origin: germline.

NM_016123.4(IRAK4):c.749G>A (p.Gly250Asp)

Gene: IRAK4 (interleukin 1 receptor associated kinase 4; plus strand). Cytogenetic location: 12q12.
Variant type: single nucleotide variant.
Coding change: c.749G>A on transcript NM_016123.4 (MANE Select); coding-DNA position 749, G replaced by A.
Protein change: p.Gly250Asp; replaces glycine 250 with aspartic acid.
Molecular consequence: missense variant.
Genome position (GRCh38, 1-based): chr12:43,777,662, G>A. VCF-style: chr12-43777662-G-A. GRCh37 (hg19) VCF-style: chr12-44171465-G-A.
Other names: c.749G>A, p.Gly250Asp (NM_001114182.3, NM_001351345.2); c.377G>A, p.Gly126Asp (NM_001145256.2, NM_001145257.2, NM_001145258.2 and 5 more transcripts); c.140G>A, p.Gly47Asp (NM_001351343.2, NM_001351344.2); short protein forms G47D, G126D, G250D.
Identifiers: ClinVar variation 882995 (VCV000882995.7), dbSNP rs769470855, ClinGen allele CA6522474.